The following is an entry in ClinVar:

ClinVar aggregate classification (germline): Uncertain significance. Review status: criteria provided, multiple submitters, no conflicts (2 of 4 stars). 2 submissions from 2 submitters: Uncertain significance (2). Last evaluated 2022-08-08.

Conditions:
Inborn genetic diseases. Identifiers: MedGen C0950123, MeSH D030342.

Allele frequency attached by ClinVar (database versions not stated): gnomAD exomes below 0.00001.
gnomAD v4.1: 3 of 1,614,024 alleles (0.00019%); highest among the groups gnomAD compares: Admixed American, 0.0017%; no homozygotes.

Submissions (2):

Labcorp Genetics (formerly Invitae), Labcorp
Classification: Uncertain significance. Last evaluated: 2022-08-08. Review status: criteria provided, single submitter. Criteria: Invitae Variant Classification Sherloc (09022015). Collection method: clinical testing. Allele origin: germline.
Comment: This sequence change replaces tyrosine, which is neutral and polar, with histidine, which is basic and polar, at codon 356 of the USH1C protein (p.Tyr356His). This variant is present in population databases (no rsID available, gnomAD 0.003%). This variant has not been reported in the literature in individuals affected with USH1C-related conditions. Algorithms developed to predict the effect of missense changes on protein structure and function (SIFT, PolyPhen-2, Align-GVGD) all suggest that this variant is likely to be disruptive. In summary, the available evidence is currently insufficient to determine the role of this variant in disease. Therefore, it has been classified as a Variant of Uncertain Significance.

Ambry Genetics
Classification: Uncertain significance for Inborn genetic diseases. Last evaluated: 2021-11-12. Review status: criteria provided, single submitter. Criteria: Ambry Variant Classification Scheme 2023. Collection method: clinical testing. Allele origin: germline.

NM_153676.4(USH1C):c.1066T>C (p.Tyr356His)

Gene: USH1C (USH1 protein network component harmonin; minus strand). Cytogenetic location: 11p15.1.
Variant type: single nucleotide variant.
Coding change: c.1066T>C on transcript NM_153676.4 (MANE Select); coding-DNA position 1066, T replaced by C.
Protein change: p.Tyr356His; replaces tyrosine 356 with histidine.
Molecular consequence: missense variant. On other transcripts: non-coding transcript variant (1).
Genome position (GRCh38, 1-based): chr11:17,521,365, A>G on the plus strand (T>C on the coding strand, the complement: USH1C is on the minus strand). VCF-style: chr11-17521365-A-G. GRCh37 (hg19) VCF-style: chr11-17542912-A-G.
Other names: c.1009T>C, p.Tyr337His (NM_001297764.2); c.1066T>C, p.Tyr356His (NM_005709.4); short protein forms Y356H, Y337H.
Identifiers: ClinVar variation 1938076 (VCV001938076.3), dbSNP rs1372392561, ClinGen allele CA379784986.
Genomic context (GRCh38, chr11:17,521,365, plus strand): 5'-TGATGTTCATGCACAGACACGCGTGGAGCCGAGGTACTCACTGTTCCATCTCCTTCCGGT[A>G]TCTCTCATTTTCCTCTGCTGCCTTCTGGGCAATTTCTTTTCTCCTTCTGAAACACAAATG-3'
Protein context (NP_710142.1, residues 346-366): AQKAAEENER[Tyr356His]RKEMEQIVEE